The following is an entry in ClinVar:

NM_016616.5(NME8):c.333T>G (p.Ile111Met)

Gene: NME8 (NME/NM23 family member 8; plus strand). Cytogenetic location: 7p14.1.
Variant type: single nucleotide variant.
Coding change: c.333T>G on transcript NM_016616.5 (MANE Select); coding-DNA position 333, T replaced by G.
Protein change: p.Ile111Met; replaces isoleucine 111 with methionine.
Molecular consequence: missense variant.
Genome position (GRCh38, 1-based): chr7:37,862,090, T>G. VCF-style: chr7-37862090-T-G. GRCh37 (hg19) VCF-style: chr7-37901692-T-G.
Other names: short protein forms I111M.
Identifiers: ClinVar variation 2976799 (VCV002976799.3), dbSNP rs2483621482, ClinGen allele CA367221266.

ClinVar aggregate classification (germline): Uncertain significance (1 of 4 stars; one submission).

Conditions:
Primary ciliary dyskinesia 6. Also called: Primary Ciliary Dyskinesia 6: TXNDC3-Related Primary Ciliary Dyskinesia. Identifiers: Orphanet 244, MedGen C1970506, MONDO:0012571, OMIM 610852.

Submission:

Labcorp Genetics (formerly Invitae), Labcorp
Classification: Uncertain significance for Primary ciliary dyskinesia 6. Last evaluated: 2023-02-01. Review status: criteria provided, single submitter. Criteria: Invitae Variant Classification Sherloc (09022015). Collection method: clinical testing. Allele origin: germline.
Comment: This variant is not present in population databases (gnomAD no frequency). This sequence change replaces isoleucine, which is neutral and non-polar, with methionine, which is neutral and non-polar, at codon 111 of the NME8 protein (p.Ile111Met). This variant has not been reported in the literature in individuals affected with NME8-related conditions. Advanced modeling of protein sequence and biophysical properties (such as structural, functional, and spatial information, amino acid conservation, physicochemical variation, residue mobility, and thermodynamic stability) performed at Invitae indicates that this missense variant is not expected to disrupt NME8 protein function. In summary, the available evidence is currently insufficient to determine the role of this variant in disease. Therefore, it has been classified as a Variant of Uncertain Significance.